The following is an entry in ClinVar:

ClinVar aggregate classification (germline): Likely pathogenic (1 of 4 stars; one submission).

Conditions:
Glycosylphosphatidylinositol biosynthesis defect 15. Also called: DEVELOPMENTAL DELAY, EPILEPSY, CEREBELLAR ATROPHY, AND OSTEOPENIA. Identifiers: Orphanet 529665, MedGen C4540520, MONDO:0060627, OMIM 617810.

Submission:

MGZ Medical Genetics Center
Classification: Likely pathogenic for Glycosylphosphatidylinositol biosynthesis defect 15. Last evaluated: 2021-11-09. Review status: criteria provided, single submitter. Criteria: ACMG Guidelines, 2015. Collection method: clinical testing. Allele origin: germline. Affected: yes. Observed: 1 variant allele.
Comment: ACMG criteria applied: PVS1, PM2_SUP

NM_003801.4(GPAA1):c.367-1G>A

Gene: GPAA1 (glycosylphosphatidylinositol anchor attachment 1; plus strand). Cytogenetic location: 8q24.3.
Variant type: single nucleotide variant.
Coding change: c.367-1G>A on transcript NM_003801.4 (MANE Select); the canonical splice acceptor site of the intron before coding-DNA position 367, G replaced by A.
Molecular consequence: splice acceptor variant.
Genome position (GRCh38, 1-based): chr8:144,083,713, G>A. VCF-style: chr8-144083713-G-A. GRCh37 (hg19) VCF-style: chr8-145138616-G-A.
Identifiers: ClinVar variation 1710054 (VCV001710054.2), dbSNP rs113583033, ClinGen allele CA372598465.